The following is an entry in ClinVar:

ClinVar aggregate classification (germline): Uncertain significance. Review status: criteria provided, single submitter (1 of 4 stars). 2 submissions from 2 submitters: Uncertain significance (1). 1 of the submissions does not count toward it. Last evaluated 2022-08-25.

Conditions:
CELSR1-related disorder. Also called: CELSR1-related condition.

Allele frequency attached by ClinVar (database versions not stated): gnomAD exomes 0.00017; ExAC 0.00049; gnomAD 0.00102; ESP Exome Variant Server 0.00116; TOPMed 0.00131; 1000 Genomes Project 30x 0.00172; 1000 Genomes Project 0.00200.
gnomAD v4.1: 423 of 1,596,154 alleles (0.027%); highest among the groups gnomAD compares: African/African-American, 0.36%; 1 homozygote.

Submissions (2):

GeneDx
Classification: Uncertain significance. Last evaluated: 2022-08-25. Review status: criteria provided, single submitter. Criteria: GeneDx Variant Classification Process June 2021. Collection method: clinical testing. Allele origin: germline. Affected: yes.
Comment: In silico analysis supports that this missense variant has a deleterious effect on protein structure/function; Has not been previously published as pathogenic or benign to our knowledge

PreventionGenetics, part of Exact Sciences
Classification: Likely benign for CELSR1-related condition. Last evaluated: 2024-04-28. Review status: no assertion criteria provided. Collection method: clinical testing. Allele origin: germline. Not counted in ClinVar's aggregate classification.
Comment: This variant is classified as likely benign based on ACMG/AMP sequence variant interpretation guidelines (Richards et al. 2015 PMID: 25741868, with internal and published modifications).

NM_001378328.1(CELSR1):c.6577G>A (p.Ala2193Thr)

Genes: CELSR1 (cadherin EGF LAG seven-pass G-type receptor 1; minus strand), LOC126863169 (BRD4-independent group 4 enhancer GRCh37_chr22:46782038-46783237; plus strand). Cytogenetic location: 22q13.31.
Variant type: single nucleotide variant.
Coding change: c.6577G>A on transcript NM_001378328.1 (MANE Select); coding-DNA position 6577, G replaced by A.
Protein change: p.Ala2193Thr; replaces alanine 2193 with threonine.
Molecular consequence: missense variant.
Genome position (GRCh38, 1-based): chr22:46,386,564, C>T on the plus strand (G>A on the coding strand, the complement: CELSR1 is on the minus strand). VCF-style: chr22-46386564-C-T. GRCh37 (hg19) VCF-style: chr22-46782461-C-T.
Other names: c.6577G>A, p.Ala2193Thr (NM_014246.4); short protein forms A2193T.
Identifiers: ClinVar variation 2430808 (VCV002430808.2), dbSNP rs145197157, ClinGen allele CA10293710.
Genomic context (GRCh38, chr22:46,386,564, plus strand): 5'-TGCCGCCCTCGCTCCGCTGGATCTGCTCCCACGCCGCCCTGGTGGCTGGGGCCAGGAGGG[C>T]GCTGCCCGAGTGGATGACGTCCTGGTCAGACAGACAGCACTCAGTACTCAGCCTGCGGAG-3'
Protein context (NP_001365257.1, residues 2183-2203): FHEDVIHSGS[Ala2193Thr]LLAPATRAAW